The following is an entry in ClinVar:

NM_003470.3(USP7):c.2792T>C (p.Leu931Pro)

Gene: USP7 (ubiquitin specific peptidase 7; minus strand). Cytogenetic location: 16p13.2.
Variant type: single nucleotide variant.
Coding change: c.2792T>C on transcript NM_003470.3 (MANE Select); coding-DNA position 2792, T replaced by C.
Protein change: p.Leu931Pro; replaces leucine 931 with proline.
Molecular consequence: missense variant. On other transcripts: non-coding transcript variant (1).
Genome position (GRCh38, 1-based): chr16:8,897,026, A>G on the plus strand (T>C on the coding strand, the complement: USP7 is on the minus strand). VCF-style: chr16-8897026-A-G. GRCh37 (hg19) VCF-style: chr16-8990883-A-G.
Other names: c.2744T>C, p.Leu915Pro (NM_001286457.2); c.2495T>C, p.Leu832Pro (NM_001286458.2); c.2618T>C, p.Leu873Pro (NM_001321858.2); short protein forms L832P, L873P, L915P, L931P.
Identifiers: ClinVar variation 1315828 (VCV001315828.2), dbSNP rs757472416, ClinGen allele CA7894903.

ClinVar aggregate classification (germline): Uncertain significance (1 of 4 stars; one submission).

Allele frequency attached by ClinVar (database versions not stated): ExAC 0.00001; gnomAD exomes 0.00001.
gnomAD v4.1: 14 of 1,614,126 alleles (0.00087%); highest among the groups gnomAD compares: East Asian, 0.027%; no homozygotes.

Submission:

GeneDx
Classification: Uncertain significance. Last evaluated: 2019-09-04. Review status: criteria provided, single submitter. Criteria: GeneDx Variant Classification Process June 2021. Collection method: clinical testing. Allele origin: germline. Affected: yes.
Comment: Not observed in large population cohorts (Lek et al., 2016); In silico analysis, which includes protein predictors and evolutionary conservation, supports a deleterious effect; Has not been previously published as pathogenic or benign to our knowledge